The following is an entry in ClinVar:

ClinVar aggregate classification (germline): Conflicting classifications of pathogenicity. Review status: criteria provided, conflicting classifications (1 of 4 stars). 2 submissions from 2 submitters: Uncertain significance (1); Likely benign (1). Last evaluated 2025-10-28.

Conditions:
Cardiovascular phenotype. Identifiers: MedGen CN230736.
Familial hypobetalipoproteinemia 1. Also called: Hypobetalipoproteinemia, normotriglyceridemic; Acanthocytosis with hypobetalipoproteinemia; APOB-Related Familial Hypobetalipoproteinemia. Identifiers: MedGen C4551990, MONDO:0014252, OMIM 615558.
Hypercholesterolemia, autosomal dominant, type B (FHCL2). Also called: Familial Hypercholesterolemia Type B; APOLIPOPROTEIN B-100, FAMILIAL DEFECTIVE; APOLIPOPROTEIN B-100, FAMILIAL LIGAND-DEFECTIVE; HYPERCHOLESTEROLEMIA, FAMILIAL, DUE TO LIGAND-DEFECTIVE APOLIPOPROTEIN B; Hyperlipoproteinemia Type IIb; Familial hypercholesterolemia 2. Identifiers: MedGen C1704417, MONDO:0007751, OMIM 144010.

Submissions (2):

Labcorp Genetics (formerly Invitae), Labcorp
Classification: Likely benign for Familial hypobetalipoproteinemia 1; Hypercholesterolemia, autosomal dominant, type B. Last evaluated: 2025-10-28. Review status: criteria provided, single submitter. Criteria: Invitae Variant Classification Sherloc (09022015). Collection method: clinical testing. Allele origin: germline.

Ambry Genetics
Classification: Uncertain significance for Cardiovascular phenotype. Last evaluated: 2024-06-09. Review status: criteria provided, single submitter. Criteria: Ambry Variant Classification Scheme 2023. Collection method: clinical testing. Allele origin: germline.
Comment: The p.D4264N variant (also known as c.12790G>A), located in coding exon 29 of the APOB gene, results from a G to A substitution at nucleotide position 12790. The aspartic acid at codon 4264 is replaced by asparagine, an amino acid with highly similar properties. This amino acid position is conserved. In addition, this alteration is predicted to be tolerated by in silico analysis. Based on the available evidence, the clinical significance of this variant remains unclear.

NM_000384.3(APOB):c.12790G>A (p.Asp4264Asn)

Gene: APOB (apolipoprotein B; minus strand). Cytogenetic location: 2p24.1.
Variant type: single nucleotide variant.
Coding change: c.12790G>A on transcript NM_000384.3 (MANE Select); coding-DNA position 12790, G replaced by A.
Protein change: p.Asp4264Asn; replaces aspartic acid 4264 with asparagine.
Molecular consequence: missense variant.
Genome position (GRCh38, 1-based): chr2:21,002,632, C>T on the plus strand (G>A on the coding strand, the complement: APOB is on the minus strand). VCF-style: chr2-21002632-C-T. GRCh37 (hg19) VCF-style: chr2-21225504-C-T.
Other names: short protein forms D4264N.
Identifiers: ClinVar variation 3308066 (VCV003308066.2).